The following is an entry in ClinVar:

ClinVar aggregate classification (germline): Pathogenic (1 of 4 stars; one submission).

Conditions:
Mitochondrial complex II deficiency, nuclear type 1. Also called: SUCCINATE CoQ REDUCTASE DEFICIENCY. Identifiers: Orphanet 3208, MedGen C5700310, MONDO:0100294, OMIM 252011.
Pheochromocytoma/paraganglioma syndrome 5. Also called: Paragangliomas 5; SDHA-Related Hereditary Paraganglioma-Pheochromocytoma Syndrome. Identifiers: Orphanet 29072, MedGen C3279992, MONDO:0013602, OMIM 614165.

Submission:

Labcorp Genetics (formerly Invitae), Labcorp
Classification: Pathogenic for Pheochromocytoma/paraganglioma syndrome 5; Mitochondrial complex II deficiency, nuclear type 1. Last evaluated: 2023-08-29. Review status: criteria provided, single submitter. Criteria: Invitae Variant Classification Sherloc (09022015). Collection method: clinical testing. Allele origin: germline.
Comment: For these reasons, this variant has been classified as Pathogenic. This variant has not been reported in the literature in individuals affected with SDHA-related conditions. This variant is not present in population databases (gnomAD no frequency). This sequence change creates a premature translational stop signal (p.Asn113Thrfs*15) in the SDHA gene. It is expected to result in an absent or disrupted protein product. Loss-of-function variants in SDHA are known to be pathogenic (PMID: 22974104, 24781757).

Literature cited by the submitters: PubMed 22974104; PubMed 24781757.

NM_004168.4(SDHA):c.336del (p.Asn113fs)

Gene: SDHA (succinate dehydrogenase complex flavoprotein subunit A; plus strand). Cytogenetic location: 5p15.33.
Variant type: Deletion.
Coding change: c.336del on transcript NM_004168.4 (MANE Select); coding-DNA position 336, one base deleted (G; older notation c.336delG).
Protein change: p.Asn113fs; shifts the reading frame from asparagine 113.
Molecular consequence: frameshift variant. On other transcripts: intron variant (1).
Genome position (GRCh38, 1-based): chr5:225,442, G deleted; the last of 4 consecutive G bases (chr5:225,439-225,442); deleting any one gives the same sequence. VCF-style (leftmost placement, unchanged base first): chr5-225438-TG-T. GRCh37 (hg19) VCF-style: chr5-225553-TG-T.
Other names: c.336del, p.Asn113fs (NM_001330758.2); c.313-441del (NM_001294332.2); short protein forms N113fs.
Identifiers: ClinVar variation 2930481 (VCV002930481.3), dbSNP rs1734954603, ClinGen allele CA1072368211.